The following is an entry in ClinVar:

ClinVar aggregate classification (germline): Uncertain significance (1 of 4 stars; one submission).

Allele frequency attached by ClinVar (database versions not stated): gnomAD exomes below 0.00001.

Submission:

Labcorp Genetics (formerly Invitae), Labcorp
Classification: Uncertain significance. Last evaluated: 2022-11-01. Review status: criteria provided, single submitter. Criteria: Invitae Variant Classification Sherloc (09022015). Collection method: clinical testing. Allele origin: germline.
Comment: In summary, the available evidence is currently insufficient to determine the role of this variant in disease. Therefore, it has been classified as a Variant of Uncertain Significance. Algorithms developed to predict the effect of missense changes on protein structure and function (SIFT, PolyPhen-2, Align-GVGD) all suggest that this variant is likely to be disruptive. This variant has not been reported in the literature in individuals affected with CTF1-related conditions. The frequency data for this variant in the population databases is considered unreliable, as metrics indicate insufficient coverage at this position in the gnomAD database. This sequence change replaces proline, which is neutral and non-polar, with threonine, which is neutral and polar, at codon 113 of the CTF1 protein (p.Pro113Thr).

NM_001330.5(CTF1):c.337C>A (p.Pro113Thr)

Genes: CTF1 (cardiotrophin 1; plus strand), LOC130058878 (ATAC-STARR-seq lymphoblastoid silent region 7400; plus strand). Cytogenetic location: 16p11.2.
Variant type: single nucleotide variant.
Coding change: c.337C>A on transcript NM_001330.5 (MANE Select); coding-DNA position 337, C replaced by A.
Protein change: p.Pro113Thr; replaces proline 113 with threonine.
Molecular consequence: missense variant. On other transcripts: non-coding transcript variant (1).
Genome position (GRCh38, 1-based): chr16:30,902,270, C>A. VCF-style: chr16-30902270-C-A. GRCh37 (hg19) VCF-style: chr16-30913591-C-A.
Other names: c.334C>A, p.Pro112Thr (NM_001142544.3); short protein forms P113T, P112T.
Identifiers: ClinVar variation 1990109 (VCV001990109.4), dbSNP rs2055408574, ClinGen allele CA395618891.
Genomic context (GRCh38, chr16:30,902,270, plus strand): 5'-GCGCTGGCCGCGCTGCCCCCGCTGCTGGACGCAGTGTGTCGCCGCCAGGCCGAGCTGAAC[C>A]CGCGCGCGCCGCGCCTGCTGCGCCGCCTGGAGGACGCGGCGCGCCAGGCCCGGGCCCTGG-3'
Protein context (NP_001321.1, residues 103-123): AVCRRQAELN[Pro113Thr]RAPRLLRRLE